The following is an entry in ClinVar:

ClinVar aggregate classification (germline): Pathogenic (1 of 4 stars; one submission).

Submission:

Labcorp Genetics (formerly Invitae), Labcorp
Classification: Pathogenic. Last evaluated: 2021-12-13. Review status: criteria provided, single submitter. Criteria: Invitae Variant Classification Sherloc (09022015). Collection method: clinical testing. Allele origin: germline.
Comment: This sequence change creates a premature translational stop signal (p.Ser154*) in the ADGRV1 gene. It is expected to result in an absent or disrupted protein product. Loss-of-function variants in ADGRV1 are known to be pathogenic (PMID: 19357117, 22135276, 22147658, 26226137, 26667666, 30029497, 32467589). This variant is not present in population databases (gnomAD no frequency). For these reasons, this variant has been classified as Pathogenic. This variant has not been reported in the literature in individuals affected with ADGRV1-related conditions.

Literature cited by the submitters: PubMed 19357117; PubMed 22135276; PubMed 22147658; PubMed 26226137; PubMed 26667666; PubMed 30029497; PubMed 32467589.

NM_032119.4(ADGRV1):c.461C>G (p.Ser154Ter)

Gene: ADGRV1 (adhesion G protein-coupled receptor V1; plus strand). Cytogenetic location: 5q14.3.
Variant type: single nucleotide variant.
Coding change: c.461C>G on transcript NM_032119.4 (MANE Select); coding-DNA position 461, C replaced by G.
Protein change: p.Ser154Ter; replaces serine 154 with a stop codon.
Molecular consequence: nonsense. On other transcripts: non-coding transcript variant (1).
Genome position (GRCh38, 1-based): chr5:90,622,604, C>G. VCF-style: chr5-90622604-C-G. GRCh37 (hg19) VCF-style: chr5-89918421-C-G.
Other names: short protein forms S154*.
Identifiers: ClinVar variation 2041611 (VCV002041611.4), dbSNP rs2531757792, ClinGen allele CA360362795.
Genomic context (GRCh38, chr5:90,622,604, plus strand): 5'-TCATACCTCTGATTGCTCAGCTCCTGATCATCTGTGCTTGCTTTCCTCAATAGCTTCCCT[C>G]AATCGCAGTGAGTGAGCCCAAGGGCAGAAATGAGTCTATGCCTCTTACTCTCATCAGGGA-3'